The following is an entry in ClinVar:

NM_003383.5(VLDLR):c.1643A>G (p.Lys548Arg)

Gene: VLDLR (very low density lipoprotein receptor; plus strand). Cytogenetic location: 9p24.2.
Variant type: single nucleotide variant.
Coding change: c.1643A>G on transcript NM_003383.5 (MANE Select); coding-DNA position 1643, A replaced by G.
Protein change: p.Lys548Arg; replaces lysine 548 with arginine.
Molecular consequence: missense variant.
Genome position (GRCh38, 1-based): chr9:2,646,492, A>G. VCF-style: chr9-2646492-A-G. GRCh37 (hg19) VCF-style: chr9-2646492-A-G.
Other names: c.1643A>G, p.Lys548Arg (NM_001018056.3); c.1520A>G, p.Lys507Arg (NM_001322225.2, NM_001322226.2); short protein forms K548R, K507R.
Identifiers: ClinVar variation 130704 (VCV000130704.62), dbSNP rs148487944, ClinGen allele CA155914.

ClinVar aggregate classification (germline): Conflicting classifications of pathogenicity. Review status: criteria provided, conflicting classifications (1 of 4 stars). 6 submissions from 6 submitters: Uncertain significance (5); Likely benign (1). Last evaluated 2022-02-18.

Conditions:
Cerebellar ataxia, impaired intellectual development, and dysequilibrium syndrome 1. Also called: CEREBELLAR ATAXIA AND MENTAL RETARDATION WITH OR WITHOUT QUADRUPEDAL LOCOMOTION 1; CEREBELLAR ATAXIA, CONGENITAL, AND MENTAL RETARDATION, AUTOSOMAL RECESSIVE; VLDLR Cerebellar Hypoplasia; Cerebellar hypoplasia and mental retardation with or without quadrupedal locomotion 1; Cerebellar ataxia, intellectual disability, and dysequilibrium syndrome 1; Cerebellar ataxia, mental retardation, and dysequilibrium syndrome 1. Identifiers: Orphanet 1766, MedGen C4551552, MONDO:0024542, OMIM 224050.

Allele frequency attached by ClinVar (database versions not stated): ESP Exome Variant Server 0.00015; 1000 Genomes Project 30x 0.00016; 1000 Genomes Project 0.00020; gnomAD 0.00051 and 0.00053; TOPMed 0.00052; gnomAD exomes 0.00058 and 0.00100; ExAC 0.00065.
gnomAD v4.1: 1,508 of 1,614,150 alleles (0.093%); highest among the groups gnomAD compares: Non-Finnish European, 0.12%; 1 homozygote.

Submissions (6):

Labcorp Genetics (formerly Invitae), Labcorp
Classification: Uncertain significance. Last evaluated: 2022-02-18. Review status: criteria provided, single submitter. Criteria: Invitae Variant Classification Sherloc (09022015). Collection method: clinical testing. Allele origin: germline.
Comment: This sequence change replaces lysine, which is basic and polar, with arginine, which is basic and polar, at codon 548 of the VLDLR protein (p.Lys548Arg). This variant is present in population databases (rs148487944, gnomAD 0.1%), and has an allele count higher than expected for a pathogenic variant. This variant has not been reported in the literature in individuals affected with VLDLR-related conditions. ClinVar contains an entry for this variant (Variation ID: 130704). Algorithms developed to predict the effect of missense changes on protein structure and function are either unavailable or do not agree on the potential impact of this missense change (SIFT: "Not Available"; PolyPhen-2: "Possibly Damaging"; Align-GVGD: "Not Available"). In summary, the available evidence is currently insufficient to determine the role of this variant in disease. Therefore, it has been classified as a Variant of Uncertain Significance.

Mayo Clinic Laboratories, Mayo Clinic
Classification: Uncertain significance. Last evaluated: 2020-07-16. Review status: criteria provided, single submitter. Criteria: ACMG Guidelines, 2015. Collection method: clinical testing. Allele origin: germline. Observed: 1 variant allele.

GeneDx
Classification: Likely benign. Last evaluated: 2019-11-19. Review status: criteria provided, single submitter. Criteria: GeneDx Variant Classification Process June 2021. Collection method: clinical testing. Allele origin: germline. Affected: yes.

Genetic Services Laboratory, University of Chicago
Classification: Uncertain significance. Last evaluated: 2018-06-05. Review status: criteria provided, single submitter. Criteria: ACMG Guidelines, 2015. Collection method: clinical testing. Allele origin: germline. Affected: no.

Illumina Laboratory Services, Illumina
Classification: Uncertain significance for Cerebellar ataxia, impaired intellectual development, and dysequilibrium syndrome 1. Last evaluated: 2018-01-12. Review status: criteria provided, single submitter. Criteria: ICSL Variant Classification Criteria 13 December 2019. Collection method: clinical testing. Allele origin: germline.

CeGaT Center for Human Genetics Tuebingen
Classification: Uncertain significance. Last evaluated: 2016-05-01. Review status: criteria provided, single submitter. Criteria: CeGaT Center For Human Genetics Tuebingen Variant Classification Criteria Version 2. Collection method: clinical testing. Allele origin: germline. Affected: yes. Observed: 1 variant allele.